The following is an entry in ClinVar:

NM_016219.5(MAN1B1):c.1499G>A (p.Arg500Gln)

Gene: MAN1B1 (mannosidase alpha class 1B member 1; plus strand). Cytogenetic location: 9q34.3.
Variant type: single nucleotide variant.
Coding change: c.1499G>A on transcript NM_016219.5 (MANE Select); coding-DNA position 1499, G replaced by A.
Protein change: p.Arg500Gln; replaces arginine 500 with glutamine.
Molecular consequence: missense variant. On other transcripts: non-coding transcript variant (2).
Genome position (GRCh38, 1-based): chr9:137,106,742, G>A. VCF-style: chr9-137106742-G-A. GRCh37 (hg19) VCF-style: chr9-140001194-G-A.
Other names: short protein forms R500Q.
Identifiers: ClinVar variation 588242 (VCV000588242.19), dbSNP rs149339002, ClinGen allele CA5359254.
Genomic context (GRCh38, chr9:137,106,742, plus strand): 5'-TCCACAGGCTGCTGGAAGACTACGTGGAAGCCATCGAGGGTGTCAGAACGCACCTGCTGC[G>A]GCACTCCGAGCCCAGTAAGCTCACCTTTGTGGGGGAGCTTGCCCACGGCCGCTTCAGTGC-3'
Protein context (NP_057303.2, residues 490-510): AIEGVRTHLL[Arg500Gln]HSEPSKLTFV

ClinVar aggregate classification (germline): Benign/Likely benign. Review status: criteria provided, multiple submitters, no conflicts (2 of 4 stars). 3 submissions from 3 submitters: Benign (1); Likely benign (2). Last evaluated 2026-02-03.

Conditions:
Inborn genetic diseases. Identifiers: MedGen C0950123, MeSH D030342.
Rafiq syndrome (RAFQS). Identifiers: Orphanet 88616, MedGen C3280127, MONDO:0013624, OMIM 614202.

Allele frequency attached by ClinVar (database versions not stated): ESP Exome Variant Server 0.00031; TOPMed 0.00063; gnomAD exomes 0.00157 and 0.00309; 1000 Genomes Project 30x 0.00250; ExAC 0.00305; 1000 Genomes Project 0.00319.
gnomAD v4.1: 2,686 of 1,613,496 alleles (0.17%); highest among the groups gnomAD compares: East Asian, 0.71%; 22 homozygotes.

Submissions (3):

Labcorp Genetics (formerly Invitae), Labcorp
Classification: Benign for Rafiq syndrome. Last evaluated: 2026-02-03. Review status: criteria provided, single submitter. Criteria: Invitae Variant Classification Sherloc (09022015). Collection method: clinical testing. Allele origin: germline.

Ambry Genetics
Classification: Likely benign for Inborn genetic diseases. Last evaluated: 2018-11-02. Review status: criteria provided, single submitter. Criteria: Ambry Variant Classification Scheme 2023. Collection method: clinical testing. Allele origin: germline.

Illumina Laboratory Services, Illumina
Classification: Likely benign for Rafiq syndrome. Last evaluated: 2018-01-13. Review status: criteria provided, single submitter. Criteria: ICSL Variant Classification Criteria 13 December 2019. Collection method: clinical testing. Allele origin: germline.
Comment: This variant was observed in the ICSL laboratory as part of a predisposition screen in an ostensibly healthy population. It had not been previously curated by ICSL or reported in the Human Gene Mutation Database (HGMD: prior to June 1st, 2018), and was therefore a candidate for classification through an automated scoring system. Utilizing variant allele frequency, disease prevalence and penetrance estimates, and inheritance mode, an automated score was calculated to assess if this variant is too frequent to cause the disease. Based on the score and internal cut-off values, a variant classified as likely benign is not then subjected to further curation. The score for this variant resulted in a classification of likely benign for this disease.